The following is an entry in ClinVar:

ClinVar aggregate classification (germline): Uncertain significance (1 of 4 stars; one submission).

Submission:

Labcorp Genetics (formerly Invitae), Labcorp
Classification: Uncertain significance. Last evaluated: 2020-06-17. Review status: criteria provided, single submitter. Criteria: Invitae Variant Classification Sherloc (09022015). Collection method: clinical testing. Allele origin: germline.
Comment: In summary, the available evidence is currently insufficient to determine the role of this variant in disease. Therefore, it has been classified as a Variant of Uncertain Significance. This variant has been observed in individual(s) with clinical features of Shashi-Pena syndrome (Invitae). This variant is not present in population databases (ExAC no frequency). This sequence change results in a premature translational stop signal in the ASXL2 gene (p.Glu755Glyfs*44). While this is not anticipated to result in nonsense mediated decay, it is expected to disrupt the last 681 amino acids of the ASXL2 protein.

NM_018263.6(ASXL2):c.2264del (p.Glu755fs)

Gene: ASXL2 (ASXL transcriptional regulator 2; minus strand). Cytogenetic location: 2p23.3.
Variant type: Deletion.
Coding change: c.2264del on transcript NM_018263.6 (MANE Select); coding-DNA position 2264, one base deleted (A; older notation c.2264delA).
Protein change: p.Glu755fs; shifts the reading frame from glutamic acid 755.
Molecular consequence: frameshift variant.
Genome position (GRCh38, 1-based): chr2:25,744,073, T deleted on the plus strand (A on the coding strand, the reverse complement: ASXL2 is on the minus strand). VCF-style (leftmost placement, unchanged base first): chr2-25744072-CT-C. GRCh37 (hg19) VCF-style: chr2-25966941-CT-C.
Other names: c.2090del, p.Glu697fs (NM_001369346.1); c.1484del, p.Glu495fs (NM_001369347.1); short protein forms E495fs, E697fs, E755fs.
Identifiers: ClinVar variation 1005509 (VCV001005509.8), dbSNP rs2087898229, ClinGen allele CA1239491129.
Genomic context (GRCh38, chr2:25,744,072, plus strand): 5'-TTGCTGTAGTTGTGCTCCAGAGACACTATGAGGCTGTGCCTGGCTTGGGGTGGTCTTGGT[CT>C]CAGACTGGGGCTGAGTCTCTGGACCACAGGGTAAAAGCTCTCTCGTACCTCCCCTGCTTC-3'